The following is an entry in ClinVar:

ClinVar aggregate classification (germline): Pathogenic (1 of 4 stars; one submission).

Conditions:
Long QT syndrome (LQTS). Identifiers: MedGen C0023976, MeSH D008133, MONDO:0002442. Disease mechanism: loss of function. Inheritance: Various modes of inheritance.

Submission:

Labcorp Genetics (formerly Invitae), Labcorp
Classification: Pathogenic for Long QT syndrome. Last evaluated: 2022-08-03. Review status: criteria provided, single submitter. Criteria: Invitae Variant Classification Sherloc (09022015). Collection method: clinical testing. Allele origin: germline.
Comment: This variant is not present in population databases (gnomAD no frequency). This variant has not been reported in the literature in individuals affected with KCNQ1-related conditions. This sequence change creates a premature translational stop signal (p.Met210Hisfs*75) in the KCNQ1 gene. It is expected to result in an absent or disrupted protein product. Loss-of-function variants in KCNQ1 are known to be pathogenic (PMID: 9323054, 19862833). For these reasons, this variant has been classified as Pathogenic.

Literature cited by the submitters: PubMed 9323054; PubMed 19862833.

NM_000218.3(KCNQ1):c.626_627insA (p.Met210fs)

Gene: KCNQ1 (potassium voltage-gated channel subfamily Q member 1; plus strand). Cytogenetic location: 11p15.5.
Variant type: Insertion.
Coding change: c.626_627insA on transcript NM_000218.3 (MANE Select); coding-DNA positions 626 to 627, A inserted.
Protein change: p.Met210fs; shifts the reading frame from methionine 210.
Molecular consequence: frameshift variant.
Genome position: GRCh38 VCF-style: chr11-2571346-C-CA. GRCh37 (hg19) VCF-style: chr11-2592576-C-CA.
Other names: c.626_627insA, p.Met210Hisfs (NM_001406836.1); c.356_357insA, p.Met120Hisfs (NM_001406837.1); c.245_246insA, p.Met83Hisfs (NM_181798.2); short protein forms M83fs, M210fs.
Identifiers: ClinVar variation 2004187 (VCV002004187.4), dbSNP rs2493669717, ClinGen allele CA2580082616.